The following is an entry in ClinVar:

ClinVar aggregate classification (germline): Conflicting classifications of pathogenicity. Review status: criteria provided, conflicting classifications (1 of 4 stars). 2 submissions from 2 submitters: Uncertain significance (1); Likely benign (1). Last evaluated 2025-04-25.

Conditions:
Inborn genetic diseases. Identifiers: MedGen C0950123, MeSH D030342.
STING-associated vasculopathy with onset in infancy. Also called: Sting-associated vasculopathy, infantile-onset. Identifiers: Orphanet 425120, MedGen C4014722, MONDO:0014405, OMIM 615934.

Allele frequency attached by ClinVar (database versions not stated): TOPMed 0.00001.

Submissions (2):

Ambry Genetics
Classification: Likely benign for Inborn genetic diseases. Last evaluated: 2025-04-25. Review status: criteria provided, single submitter. Criteria: Ambry Variant Classification Scheme 2023. Collection method: clinical testing. Allele origin: germline.

Labcorp Genetics (formerly Invitae), Labcorp
Classification: Uncertain significance for STING-associated vasculopathy with onset in infancy. Last evaluated: 2022-06-02. Review status: criteria provided, single submitter. Criteria: Invitae Variant Classification Sherloc (09022015). Collection method: clinical testing. Allele origin: germline.
Comment: Algorithms developed to predict the effect of missense changes on protein structure and function output the following: SIFT: "Tolerated"; PolyPhen-2: "Benign"; Align-GVGD: "Class C0". The isoleucine amino acid residue is found in multiple mammalian species, which suggests that this missense change does not adversely affect protein function. In summary, the available evidence is currently insufficient to determine the role of this variant in disease. Therefore, it has been classified as a Variant of Uncertain Significance. This variant has not been reported in the literature in individuals affected with TMEM173-related conditions. This sequence change replaces threonine, which is neutral and polar, with isoleucine, which is neutral and non-polar, at codon 43 of the TMEM173 protein (p.Thr43Ile). This variant is not present in population databases (gnomAD no frequency).

NM_198282.4(STING1):c.128C>T (p.Thr43Ile)

Gene: STING1 (stimulator of interferon response cGAMP interactor 1; minus strand). Cytogenetic location: 5q31.2.
Variant type: single nucleotide variant.
Coding change: c.128C>T on transcript NM_198282.4 (MANE Select); coding-DNA position 128, C replaced by T.
Protein change: p.Thr43Ile; replaces threonine 43 with isoleucine.
Molecular consequence: missense variant. On other transcripts: intron variant (1).
Genome position (GRCh38, 1-based): chr5:139,481,577, G>A on the plus strand (C>T on the coding strand, the complement: STING1 is on the minus strand). VCF-style: chr5-139481577-G-A. GRCh37 (hg19) VCF-style: chr5-138861162-G-A.
Other names: c.128C>T (NM_198282.2); c.128C>T, p.Thr43Ile (NM_001301738.2); c.-130-235C>T (NM_001367258.1); short protein forms T43I.
Identifiers: ClinVar variation 2165987 (VCV002165987.5), dbSNP rs780099523, ClinGen allele CA361481798.